The following is an entry in ClinVar:

ClinVar aggregate classification (germline): Uncertain significance (1 of 4 stars; one submission).

Allele frequency attached by ClinVar (database versions not stated): gnomAD exomes below 0.00001.
gnomAD v4.1: 1 of 1,614,280 alleles (0.000062%); highest among the groups gnomAD compares: Non-Finnish European, 0.000085%; no homozygotes.

Submission:

GeneDx
Classification: Uncertain significance. Last evaluated: 2023-05-17. Review status: criteria provided, single submitter. Criteria: GeneDx Variant Classification Process June 2021. Collection method: clinical testing. Allele origin: germline. Affected: yes.
Comment: Not observed at significant frequency in large population cohorts (gnomAD); Nonsense variant predicted to result in protein truncation as the last 37 amino acids are lost, although loss-of-function variants have not been reported downstream of this position in the protein; Has not been previously published as pathogenic or benign to our knowledge

NM_016327.3(UPB1):c.1042C>T (p.Gln348Ter)

Gene: UPB1 (beta-ureidopropionase 1; plus strand). Cytogenetic location: 22q11.23.
Variant type: single nucleotide variant.
Coding change: c.1042C>T on transcript NM_016327.3 (MANE Select); coding-DNA position 1042, C replaced by T.
Protein change: p.Gln348Ter; replaces glutamine 348 with a stop codon.
Molecular consequence: nonsense.
Genome position (GRCh38, 1-based): chr22:24,523,744, C>T. VCF-style: chr22-24523744-C-T. GRCh37 (hg19) VCF-style: chr22-24919712-C-T.
Other names: short protein forms Q348*.
Identifiers: ClinVar variation 2662306 (VCV002662306.1), dbSNP rs2517987617, ClinGen allele CA410971324.